The following is an entry in ClinVar:

ClinVar aggregate classification (germline): Uncertain significance. Review status: criteria provided, multiple submitters, no conflicts (2 of 4 stars). 2 submissions from 2 submitters: Uncertain significance (2). Last evaluated 2025-08-23.

Conditions:
2-aminoadipic 2-oxoadipic aciduria (AAKAD). Also called: ALPHA-AMINOADIPIC AND ALPHA-KETOADIPIC ACIDURIA; Aminoadipic aciduria. Identifiers: Orphanet 79154, MedGen C1859817, MONDO:0008774, OMIM 204750.
Inborn genetic diseases. Identifiers: MedGen C0950123, MeSH D030342.

gnomAD v4.1: 4 of 1,614,084 alleles (0.00025%); highest among the groups gnomAD compares: Admixed American, 0.0067%; no homozygotes.

Submissions (2):

Ambry Genetics
Classification: Uncertain significance for Inborn genetic diseases. Last evaluated: 2025-08-23. Review status: criteria provided, single submitter. Criteria: Ambry Variant Classification Scheme 2023. Collection method: clinical testing. Allele origin: germline.

Labcorp Genetics (formerly Invitae), Labcorp
Classification: Uncertain significance for 2-aminoadipic 2-oxoadipic aciduria. Last evaluated: 2021-04-15. Review status: criteria provided, single submitter. Criteria: Invitae Variant Classification Sherloc (09022015). Collection method: clinical testing. Allele origin: germline.
Comment: In summary, the available evidence is currently insufficient to determine the role of this variant in disease. Therefore, it has been classified as a Variant of Uncertain Significance. Algorithms developed to predict the effect of missense changes on protein structure and function output the following: SIFT: "Tolerated"; PolyPhen-2: "Benign"; Align-GVGD: "Class C0". The alanine amino acid residue is found in multiple mammalian species, suggesting that this missense change does not adversely affect protein function. These predictions have not been confirmed by published functional studies and their clinical significance is uncertain. This variant has not been reported in the literature in individuals with DHTKD1-related conditions. This variant is not present in population databases (ExAC no frequency). This sequence change replaces threonine with alanine at codon 616 of the DHTKD1 protein (p.Thr616Ala). The threonine residue is weakly conserved and there is a small physicochemical difference between threonine and alanine.

NM_018706.7(DHTKD1):c.1846A>G (p.Thr616Ala)

Gene: DHTKD1 (dehydrogenase E1 and transketolase domain containing 1; plus strand). Cytogenetic location: 10p14.
Variant type: single nucleotide variant.
Coding change: c.1846A>G on transcript NM_018706.7 (MANE Select); coding-DNA position 1846, A replaced by G.
Protein change: p.Thr616Ala; replaces threonine 616 with alanine.
Molecular consequence: missense variant.
Genome position (GRCh38, 1-based): chr10:12,101,131, A>G. VCF-style: chr10-12101131-A-G. GRCh37 (hg19) VCF-style: chr10-12143130-A-G.
Other names: c.1846A>G (NM_018706.5); short protein forms T616A.
Identifiers: ClinVar variation 1421870 (VCV001421870.9), dbSNP rs1186888662, ClinGen allele CA376022696.